The following is an entry in ClinVar:

NM_001142966.3(GREB1L):c.3983G>T (p.Gly1328Val)

Gene: GREB1L (GREB1 like retinoic acid receptor coactivator; plus strand). Cytogenetic location: 18q11.2.
Variant type: single nucleotide variant.
Coding change: c.3983G>T on transcript NM_001142966.3 (MANE Select); coding-DNA position 3983, G replaced by T.
Protein change: p.Gly1328Val; replaces glycine 1328 with valine.
Molecular consequence: missense variant.
Genome position (GRCh38, 1-based): chr18:21,500,553, G>T. VCF-style: chr18-21500553-G-T. GRCh37 (hg19) VCF-style: chr18-19080514-G-T.
Other names: c.4112G>T, p.Gly1371Val (NM_001410867.1); c.3656G>T, p.Gly1219Val (NM_001410868.1); short protein forms G1328V, G1371V, G1219V.
Identifiers: ClinVar variation 4704692 (VCV004704692.1).

ClinVar aggregate classification (germline): Uncertain significance (1 of 4 stars; one submission).

gnomAD v4.1: 4 of 1,549,698 alleles (0.00026%); highest among the groups gnomAD compares: Non-Finnish European, 0.00035%; no homozygotes.

Submission:

Labcorp Genetics (formerly Invitae), Labcorp
Classification: Uncertain significance. Last evaluated: 2025-08-24. Review status: criteria provided, single submitter. Criteria: Invitae Variant Classification Sherloc (09022015). Collection method: clinical testing. Allele origin: germline.
Comment: This sequence change replaces glycine, which is neutral and non-polar, with valine, which is neutral and non-polar, at codon 1328 of the GREB1L protein (p.Gly1328Val). This variant is present in population databases (no rsID available, gnomAD 0.002%). This variant has not been reported in the literature in individuals affected with GREB1L-related conditions. An algorithm developed to predict the effect of missense changes on protein structure and function (PolyPhen-2) suggests that this variant is likely to be disruptive. In summary, the available evidence is currently insufficient to determine the role of this variant in disease. Therefore, it has been classified as a Variant of Uncertain Significance.